The following is an entry in ClinVar:

NM_006767.4(LZTR1):c.1318C>T (p.Arg440Cys)

Gene: LZTR1 (leucine zipper like post translational regulator 1; plus strand). Cytogenetic location: 22q11.21.
Variant type: single nucleotide variant.
Coding change: c.1318C>T on transcript NM_006767.4 (MANE Select); coding-DNA position 1318, C replaced by T.
Protein change: p.Arg440Cys; replaces arginine 440 with cysteine.
Molecular consequence: missense variant.
Genome position (GRCh38, 1-based): chr22:20,993,719, C>T. VCF-style: chr22-20993719-C-T. GRCh37 (hg19) VCF-style: chr22-21348008-C-T.
Other names: short protein forms R440C.
Identifiers: ClinVar variation 1344920 (VCV001344920.11), dbSNP rs776696572, ClinGen allele CA10118812.
Genomic context (GRCh38, chr22:20,993,719, plus strand): 5'-CAGTTCTCCTGTTACCCTAAATGCACGCTGCACGAGGACTACGGGCGGCTGTGGGAGAGC[C>T]GCCAGTTCTGCGACGTGGAGTTCGTGCTGGGTGAGGTGGGTGCCTGTCCTCGCACCCTGC-3'
Protein context (NP_006758.2, residues 430-450): HEDYGRLWES[Arg440Cys]QFCDVEFVLG

ClinVar aggregate classification (germline): Uncertain significance. Review status: criteria provided, multiple submitters, no conflicts (2 of 4 stars). 4 submissions from 4 submitters: Uncertain significance (4). Last evaluated 2026-02-04.

Conditions:
Hereditary cancer-predisposing syndrome. Also called: Hereditary neoplastic syndrome; Tumor predisposition; Neoplastic Syndromes, Hereditary; Hereditary Cancer Syndrome. Identifiers: Orphanet 140162, MedGen C0027672, MeSH D009386, MONDO:0015356.
Cardiovascular phenotype. Identifiers: MedGen CN230736.
LZTR1-related schwannomatosis. Also called: Schwannomatosis 2; Schwannomatosis-2, susceptibility to. Identifiers: Orphanet 93921, MedGen C3810283, MONDO:0014299, OMIM 615670.

Allele frequency attached by ClinVar (database versions not stated): ExAC 0.00003; gnomAD 0.00003 and 0.00004; gnomAD exomes 0.00003; TOPMed 0.00004.
gnomAD v4.1: 42 of 1,613,540 alleles (0.0026%); highest among the groups gnomAD compares: Non-Finnish European, 0.0031%; no homozygotes.

Submissions (4):

Labcorp Genetics (formerly Invitae), Labcorp
Classification: Uncertain significance. Last evaluated: 2026-02-04. Review status: criteria provided, single submitter. Criteria: Invitae Variant Classification Sherloc (09022015). Collection method: clinical testing. Allele origin: germline.
Comment: This sequence change replaces arginine, which is basic and polar, with cysteine, which is neutral and slightly polar, at codon 440 of the LZTR1 protein (p.Arg440Cys). This variant is present in population databases (rs776696572, gnomAD 0.003%). This variant has not been reported in the literature in individuals affected with LZTR1-related conditions. ClinVar contains an entry for this variant (Variation ID: 1344920). Invitae Evidence Modeling of protein sequence and biophysical properties (such as structural, functional, and spatial information, amino acid conservation, physicochemical variation, residue mobility, and thermodynamic stability) indicates that this missense variant is not expected to disrupt LZTR1 protein function with a negative predictive value of 80%. In summary, the available evidence is currently insufficient to determine the role of this variant in disease. Therefore, it has been classified as a Variant of Uncertain Significance.

Ambry Genetics
Classification: Uncertain significance for Cardiovascular phenotype; Hereditary cancer-predisposing syndrome. Last evaluated: 2024-10-01. Review status: criteria provided, single submitter. Criteria: Ambry Variant Classification Scheme 2023. Collection method: clinical testing. Allele origin: germline.

GeneDx
Classification: Uncertain significance. Last evaluated: 2024-04-10. Review status: criteria provided, single submitter. Criteria: GeneDx Variant Classification Process June 2021. Collection method: clinical testing. Allele origin: germline. Affected: yes.
Comment: Not observed at significant frequency in large population cohorts (gnomAD); In silico analysis supports that this missense variant has a deleterious effect on protein structure/function; Has not been previously published as pathogenic or benign to our knowledge

Baylor Genetics
Classification: Uncertain significance for LZTR1-related schwannomatosis. Last evaluated: 2024-03-12. Review status: criteria provided, single submitter. Criteria: ACMG Guidelines, 2015. Collection method: clinical testing. Allele origin: unknown.